The following is an entry in ClinVar:

ClinVar aggregate classification (germline): Likely pathogenic (1 of 4 stars; one submission).

Conditions:
Hereditary cancer-predisposing syndrome. Also called: Neoplastic Syndromes, Hereditary; Tumor predisposition; Hereditary Cancer Syndrome; Hereditary neoplastic syndrome. Identifiers: Orphanet 140162, MedGen C0027672, MeSH D009386, MONDO:0015356.

Submission:

Ambry Genetics
Classification: Likely pathogenic for Hereditary cancer-predisposing syndrome. Last evaluated: 2026-04-09. Review status: criteria provided, single submitter. Criteria: Ambry Variant Classification Scheme 2023. Collection method: clinical testing. Allele origin: germline.
Comment: The c.660-2A>C intronic variant results from an A to C substitution two nucleotides upstream from coding exon 9 in the BAP1 gene. This alteration was non-functional in a high throughput genome editing haploid cell survival functional assay (Waters AJ et al. Nat Genet, 2024 Jul;56:1434-1445). In silico splice site analysis predicts that this alteration will weaken the native splice acceptor site and may result in the creation or strengthening of a novel splice acceptor site; however, direct evidence is insufficient at this time (Ambry internal data). This variant is considered to be rare based on population cohorts in the Genome Aggregation Database (gnomAD). Based on the majority of available evidence to date, this variant is likely to be pathogenic.

Literature cited by the submitters: PubMed 38969833.

NM_004656.4(BAP1):c.660-2A>C

Gene: BAP1 (BRCA1 associated deubiquitinase 1; minus strand). Cytogenetic location: 3p21.1.
Variant type: single nucleotide variant.
Coding change: c.660-2A>C on transcript NM_004656.4 (MANE Select); the canonical splice acceptor site of the intron before coding-DNA position 660, A replaced by C.
Molecular consequence: splice acceptor variant. On other transcripts: intron variant (1).
Genome position (GRCh38, 1-based): chr3:52,406,378, T>G on the plus strand (A>C on the coding strand, the complement: BAP1 is on the minus strand). VCF-style: chr3-52406378-T-G. GRCh37 (hg19) VCF-style: chr3-52440394-T-G.
Other names: c.660-56A>C (NM_001410772.1).
Identifiers: ClinVar variation 4867347 (VCV004867347.1).